The following is an entry in ClinVar:

NM_130384.3(ATRIP):c.310_311del (p.Glu104fs)

Genes: ATRIP (ATR interacting protein; plus strand), ATRIP-TREX1 (ATRIP-TREX1 readthrough; plus strand). Cytogenetic location: 3p21.31.
Variant type: Microsatellite.
Coding change: c.310_311del on transcript NM_130384.3 (MANE Select); coding-DNA positions 310 to 311, 2 bases deleted (GA; older notation c.310_311delGA).
Protein change: p.Glu104fs; shifts the reading frame from glutamic acid 104.
Molecular consequence: frameshift variant. On other transcripts: non-coding transcript variant (1), 5 prime UTR variant (1).
Genome position (GRCh38, 1-based): chr3:48,450,099-48,450,100, GA deleted; deleting any 2 consecutive bases within chr3:48,450,096-48,450,100 gives the same sequence; the c. name uses the placement nearest the transcript's 3' end. VCF-style (leftmost placement, unchanged base first): chr3-48450095-CAG-C. GRCh37 (hg19) VCF-style: chr3-48491501-CAG-C.
Other names: c.-157GA[1] (NM_001271022.2); c.31_32del, p.Glu11fs (NM_001271023.2); c.310_311del, p.Glu104fs (NM_032166.4); short protein forms E104fs, E11fs.
Identifiers: ClinVar variation 3975454 (VCV003975454.1).

ClinVar aggregate classification (germline): Uncertain significance (1 of 4 stars; one submission).

Submission:

Ambry Genetics
Classification: Uncertain significance. Last evaluated: 2025-05-25. Review status: criteria provided, single submitter. Criteria: Ambry Variant Classification Scheme 2023. Collection method: clinical testing. Allele origin: germline.
Comment: The c.310_311delGA variant, located in coding exon 2 of the ATRIP gene, results from a deletion of two nucleotides at nucleotide positions 310 to 311, causing a translational frameshift with a predicted alternate stop codon (p.E104Nfs*5). This alteration is expected to result in loss of function by premature protein truncation or nonsense-mediated mRNA decay. The evidence for this gene-disease relationship is limited; therefore, the clinical significance of this alteration is unclear.